The following is an entry in ClinVar:

NM_201384.3(PLEC):c.58A>G (p.Ser20Gly)

Genes: PLEC (plectin; minus strand), LOC130001338 (ATAC-STARR-seq lymphoblastoid active region 28078; plus strand). Cytogenetic location: 8q24.3.
Variant type: single nucleotide variant.
Coding change: c.58A>G on transcript NM_201384.3 (MANE Select); coding-DNA position 58, A replaced by G.
Protein change: p.Ser20Gly; replaces serine 20 with glycine.
Molecular consequence: missense variant. On other transcripts: intron variant (7).
Genome position (GRCh38, 1-based): chr8:143,939,404, T>C on the plus strand (A>G on the coding strand, the complement: PLEC is on the minus strand). VCF-style: chr8-143939404-T-C. GRCh37 (hg19) VCF-style: chr8-145013572-T-C.
Other names: c.194-712A>G (NM_000445.5); c.71-712A>G (NM_201378.4); c.47-712A>G (NM_201379.3); c.524-712A>G (NM_201380.4); c.17-712A>G (NM_201381.3); c.113-712A>G (NM_201382.4); c.125-712A>G (NM_201383.3); c.58A>G (NM_201384.2); short protein forms S20G.
Identifiers: ClinVar variation 448073 (VCV000448073.11), dbSNP rs183111586, ClinGen allele CA4928675.

ClinVar aggregate classification (germline): Benign/Likely benign. Review status: criteria provided, multiple submitters, no conflicts (2 of 4 stars). 8 submissions from 8 submitters: Benign (1); Likely benign (4). 3 of the submissions do not count toward it. Last evaluated 2023-12-14.

Conditions:
Autosomal recessive limb-girdle muscular dystrophy type 2Q (LGMDR17). Also called: MUSCULAR DYSTROPHY, LIMB-GIRDLE, AUTOSOMAL RECESSIVE 17. Identifiers: Orphanet 254361, MedGen C3150989, MONDO:0013390, OMIM 613723.
Epidermolysis bullosa simplex with nail dystrophy (EBS5D). Identifiers: MedGen C4225309, MONDO:0014661, OMIM 616487.
Epidermolysis bullosa simplex 5C, with pyloric atresia (EBS5C). Also called: PLEC1-Related Epidermolysis Bullosa with Pyloric Atresia; PLEC-Related Epidermolysis Bullosa with Pyloric Atresia; Epidermolysis bullosa simplex with pyloric atresia. Identifiers: Orphanet 158684, MedGen C2677349, MONDO:0012807, OMIM 612138.
Epidermolysis bullosa simplex, Ogna type (EBS5A). Also called: Pidermolysis bullosa simplex 5A, Ogna type; EPIDERMOLYSIS BULLOSA SIMPLEX 5A, OGNA TYPE. Identifiers: Orphanet 79401, MedGen C0432317, MONDO:0007555, OMIM 131950.
Junctional epidermolysis bullosa with pyloric atresia. Also called: Epidermolysis bullosa, junctional, with pyloric atresia and aplasia cutis congenita; Epidermolysis bullosa junctionalis with pyloric atresia; ITGB4-Related Epidermolysis Bullosa with Pyloric Atresia; Junctional Epidermolysis Bullosa- Pyloric Atresia Syndrome; EPIDERMOLYSIS BULLOSA, JUNCTIONAL 5B, WITH PYLORIC ATRESIA; APLASIA CUTIS CONGENITA WITH GASTROINTESTINAL ATRESIA. Identifiers: Orphanet 79403, MedGen C5676875, MONDO:0009183, OMIM 226730.
Epidermolysis bullosa simplex 5B, with muscular dystrophy (EBS5B). Also called: Epidermolysis bullosa simplex with muscular dystrophy; EPIDERMOLYSIS BULLOSA SIMPLEX AND LIMB-GIRDLE MUSCULAR DYSTROPHY. Identifiers: Orphanet 257, MedGen C2931072, MONDO:0009181, OMIM 226670.
PLEC-related disorder. Also called: PLEC-related condition; PLEC-related disorders.

Allele frequency attached by ClinVar (database versions not stated): gnomAD exomes 0.00025 and 0.00064; ExAC 0.00106; ESP Exome Variant Server 0.00241; gnomAD 0.00259 and 0.00270; TOPMed 0.00293; 1000 Genomes Project 30x 0.00406; 1000 Genomes Project 0.00419.
gnomAD v4.1: 776 of 1,612,790 alleles (0.048%); highest among the groups gnomAD compares: African/African-American, 0.96%; 10 homozygotes.

Submissions (8):

Blueprint Genetics
Classification: Likely benign. Last evaluated: 2023-12-14. Review status: criteria provided, single submitter. Criteria: ACMG Guidelines, 2015. Collection method: clinical testing. Allele origin: germline.

Fulgent Genetics
Classification: Likely benign for Epidermolysis bullosa simplex, Ogna type; Epidermolysis bullosa simplex 5B, with muscular dystrophy; Junctional epidermolysis bullosa with pyloric atresia; Epidermolysis bullosa simplex 5C, with pyloric atresia; Autosomal recessive limb-girdle muscular dystrophy type 2Q; Epidermolysis bullosa simplex with nail dystrophy. Last evaluated: 2022-04-07. Review status: criteria provided, single submitter. Criteria: ACMG Guidelines, 2015. Collection method: clinical testing. Allele origin: unknown.

GeneDx
Classification: Likely benign. Last evaluated: 2020-12-14. Review status: criteria provided, single submitter. Criteria: GeneDx Variant Classification Process June 2021. Collection method: clinical testing. Allele origin: germline. Affected: yes.

Athena Diagnostics
Classification: Benign. Last evaluated: 2017-10-23. Review status: criteria provided, single submitter. Criteria: Athena Diagnostics Criteria. Collection method: clinical testing. Allele origin: germline.

Breakthrough Genomics
Classification: Likely benign. Review status: criteria provided, single submitter. Criteria: ACMG Guidelines, 2015. Collection method: not provided. Allele origin: germline. Inheritance: Autosomal recessive inheritance. Affected: yes.

PreventionGenetics, part of Exact Sciences
Classification: Benign for PLEC-related condition. Last evaluated: 2019-10-31. Review status: no assertion criteria provided. Collection method: clinical testing. Allele origin: germline. Not counted in ClinVar's aggregate classification.
Comment: This variant is classified as benign based on ACMG/AMP sequence variant interpretation guidelines (Richards et al. 2015 PMID: 25741868, with internal and published modifications).

Clinical Genetics DNA and cytogenetics Diagnostics Lab, Erasmus MC, Erasmus Medical Center
Classification: Likely benign. Review status: no assertion criteria provided. Collection method: clinical testing. Allele origin: germline. Affected: yes. Study: VKGL Data-share Consensus. Not counted in ClinVar's aggregate classification.

Laboratory of Diagnostic Genome Analysis, Leiden University Medical Center (LUMC)
Classification: Likely benign. Review status: no assertion criteria provided. Collection method: clinical testing. Allele origin: germline. Affected: yes. Study: VKGL Data-share Consensus. Not counted in ClinVar's aggregate classification.